The following is an entry in ClinVar:

NM_176819.4(DIPK2B):c.133A>C (p.Arg45=)

Gene: DIPK2B (divergent protein kinase domain 2B; minus strand). Cytogenetic location: Xp11.3.
Variant type: single nucleotide variant.
Coding change: c.133A>C on transcript NM_176819.4 (MANE Select); coding-DNA position 133, A replaced by C.
Protein change: p.Arg45=; no amino-acid change (arginine 45 retained).
Molecular consequence: synonymous variant.
Genome position (GRCh38, 1-based): chrX:45,200,694, T>G on the plus strand (A>C on the coding strand, the complement: DIPK2B is on the minus strand). VCF-style: chrX-45200694-T-G. GRCh37 (hg19) VCF-style: chrX-45059939-T-G.
Other names: c.133A>C, p.Arg45= (NM_024689.3).
Identifiers: ClinVar variation 2660377 (VCV002660377.24), dbSNP rs2523701916, ClinGen allele CA516176943.

ClinVar aggregate classification (germline): Likely benign (1 of 4 stars; one submission).

Submission:

CeGaT Center for Human Genetics Tuebingen
Classification: Likely benign. Last evaluated: 2022-11-01. Review status: criteria provided, single submitter. Criteria: CeGaT Center For Human Genetics Tuebingen Variant Classification Criteria Version 2. Collection method: clinical testing. Allele origin: germline. Affected: yes. Observed: 1 variant allele.
Comment: DIPK2B: PM2:Supporting, BP4, BP7